The following is an entry in ClinVar:

NM_031935.3(HMCN1):c.12725A>T (p.Asn4242Ile)

Gene: HMCN1 (hemicentin 1; plus strand). Cytogenetic location: 1q31.1.
Variant type: single nucleotide variant.
Coding change: c.12725A>T on transcript NM_031935.3 (MANE Select); coding-DNA position 12725, A replaced by T.
Protein change: p.Asn4242Ile; replaces asparagine 4242 with isoleucine.
Molecular consequence: missense variant.
Genome position (GRCh38, 1-based): chr1:186,128,112, A>T. VCF-style: chr1-186128112-A-T. GRCh37 (hg19) VCF-style: chr1-186097244-A-T.
Other names: short protein forms N4242I.
Identifiers: ClinVar variation 1900528 (VCV001900528.5), dbSNP rs2528059461, ClinGen allele CA343905177.

ClinVar aggregate classification (germline): Uncertain significance (1 of 4 stars; one submission).

Allele frequency attached by ClinVar (database versions not stated): gnomAD exomes below 0.00001.
gnomAD v4.1: 1 of 1,613,642 alleles (0.000062%); highest among the groups gnomAD compares: South Asian, 0.0011%; no homozygotes.

Submission:

Labcorp Genetics (formerly Invitae), Labcorp
Classification: Uncertain significance. Last evaluated: 2022-05-27. Review status: criteria provided, single submitter. Criteria: Invitae Variant Classification Sherloc (09022015). Collection method: clinical testing. Allele origin: germline.
Comment: This sequence change replaces asparagine, which is neutral and polar, with isoleucine, which is neutral and non-polar, at codon 4242 of the HMCN1 protein (p.Asn4242Ile). This variant is not present in population databases (gnomAD no frequency). This variant has not been reported in the literature in individuals affected with HMCN1-related conditions. Algorithms developed to predict the effect of missense changes on protein structure and function are either unavailable or do not agree on the potential impact of this missense change (SIFT: "Tolerated"; PolyPhen-2: "Probably Damaging"; Align-GVGD: "Class C0"). In summary, the available evidence is currently insufficient to determine the role of this variant in disease. Therefore, it has been classified as a Variant of Uncertain Significance.